The following is an entry in ClinVar:

NM_030665.4(RAI1):c.5617G>C (p.Gly1873Arg)

Gene: RAI1 (retinoic acid induced 1; plus strand). Cytogenetic location: 17p11.2.
Variant type: single nucleotide variant.
Coding change: c.5617G>C on transcript NM_030665.4 (MANE Select); coding-DNA position 5617, G replaced by C.
Protein change: p.Gly1873Arg; replaces glycine 1873 with arginine.
Molecular consequence: missense variant.
Genome position (GRCh38, 1-based): chr17:17,803,807, G>C. VCF-style: chr17-17803807-G-C. GRCh37 (hg19) VCF-style: chr17-17707121-G-C.
Other names: short protein forms G1873R.
Identifiers: ClinVar variation 1369153 (VCV001369153.6), dbSNP rs2143005187, ClinGen allele CA398559939.

ClinVar aggregate classification (germline): Uncertain significance (1 of 4 stars; one submission).

Submission:

Labcorp Genetics (formerly Invitae), Labcorp
Classification: Uncertain significance. Last evaluated: 2021-07-22. Review status: criteria provided, single submitter. Criteria: Invitae Variant Classification Sherloc (09022015). Collection method: clinical testing. Allele origin: germline.
Comment: This sequence change replaces glycine with arginine at codon 1873 of the RAI1 protein (p.Gly1873Arg). The glycine residue is highly conserved and there is a moderate physicochemical difference between glycine and arginine. This variant is not present in population databases (ExAC no frequency). This variant has not been reported in the literature in individuals affected with RAI1-related conditions. Algorithms developed to predict the effect of missense changes on protein structure and function (SIFT, PolyPhen-2, Align-GVGD) all suggest that this variant is likely to be disruptive. In summary, the available evidence is currently insufficient to determine the role of this variant in disease. Therefore, it has been classified as a Variant of Uncertain Significance.